The following is an entry in ClinVar:

NM_015629.4(PRPF31):c.554A>T (p.Glu185Val)

Gene: PRPF31 (pre-mRNA processing factor 31; plus strand). Cytogenetic location: 19q13.42.
Variant type: single nucleotide variant.
Coding change: c.554A>T on transcript NM_015629.4 (MANE Select); coding-DNA position 554, A replaced by T.
Protein change: p.Glu185Val; replaces glutamic acid 185 with valine.
Molecular consequence: missense variant.
Genome position (GRCh38, 1-based): chr19:54,123,775, A>T. VCF-style: chr19-54123775-A-T. GRCh37 (hg19) VCF-style: chr19-54627154-A-T.
Other names: short protein forms E185V.
Identifiers: ClinVar variation 1524133 (VCV001524133.8), dbSNP rs2073851814, ClinGen allele CA407750493.

ClinVar aggregate classification (germline): Uncertain significance (1 of 4 stars; one submission).

Allele frequency attached by ClinVar (database versions not stated): TOPMed 0.00001.

Submission:

Labcorp Genetics (formerly Invitae), Labcorp
Classification: Uncertain significance. Last evaluated: 2024-10-06. Review status: criteria provided, single submitter. Criteria: Invitae Variant Classification Sherloc (09022015). Collection method: clinical testing. Allele origin: germline.
Comment: This sequence change replaces glutamic acid, which is acidic and polar, with valine, which is neutral and non-polar, at codon 185 of the PRPF31 protein (p.Glu185Val). This variant is not present in population databases (gnomAD no frequency). This variant has not been reported in the literature in individuals affected with PRPF31-related conditions. ClinVar contains an entry for this variant (Variation ID: 1524133). An algorithm developed to predict the effect of missense changes on protein structure and function (PolyPhen-2) suggests that this variant is likely to be tolerated. In summary, the available evidence is currently insufficient to determine the role of this variant in disease. Therefore, it has been classified as a Variant of Uncertain Significance.